The following is an entry in ClinVar:

NM_031407.7(HUWE1):c.11174G>A (p.Arg3725Lys)

Gene: HUWE1 (HECT, UBA and WWE domain containing E3 ubiquitin protein ligase 1; minus strand). Cytogenetic location: Xp11.22.
Variant type: single nucleotide variant.
Coding change: c.11174G>A on transcript NM_031407.7 (MANE Select); coding-DNA position 11174, G replaced by A.
Protein change: p.Arg3725Lys; replaces arginine 3725 with lysine.
Molecular consequence: missense variant.
Genome position (GRCh38, 1-based): chrX:53,544,637, C>T on the plus strand (G>A on the coding strand, the complement: HUWE1 is on the minus strand). VCF-style: chrX-53544637-C-T. GRCh37 (hg19) VCF-style: chrX-53571598-C-T.
Other names: short protein forms R3725K.
Identifiers: ClinVar variation 3634917 (VCV003634917.2).

ClinVar aggregate classification (germline): Uncertain significance (1 of 4 stars; one submission).

Submission:

Labcorp Genetics (formerly Invitae), Labcorp
Classification: Uncertain significance. Last evaluated: 2024-05-04. Review status: criteria provided, single submitter. Criteria: Invitae Variant Classification Sherloc (09022015). Collection method: clinical testing. Allele origin: germline.
Comment: This sequence change replaces arginine, which is basic and polar, with lysine, which is basic and polar, at codon 3725 of the HUWE1 protein (p.Arg3725Lys). This variant is not present in population databases (gnomAD no frequency). This variant has not been reported in the literature in individuals affected with HUWE1-related conditions. Advanced modeling of protein sequence and biophysical properties (such as structural, functional, and spatial information, amino acid conservation, physicochemical variation, residue mobility, and thermodynamic stability) performed at Invitae indicates that this missense variant is expected to disrupt HUWE1 protein function with a positive predictive value of 80%. In summary, the available evidence is currently insufficient to determine the role of this variant in disease. Therefore, it has been classified as a Variant of Uncertain Significance.